The following is an entry in ClinVar:

ClinVar aggregate classification (germline): Uncertain significance (1 of 4 stars; one submission).

Conditions:
Dilated cardiomyopathy 1M (CMD1M). Identifiers: Orphanet 154, MedGen C1843808, MONDO:0011840, OMIM 607482.
Hypertrophic cardiomyopathy 12. Identifiers: MedGen C2677491, MONDO:0012804, OMIM 612124.

Submission:

Labcorp Genetics (formerly Invitae), Labcorp
Classification: Uncertain significance for Hypertrophic cardiomyopathy 12; Dilated cardiomyopathy 1M. Last evaluated: 2025-12-22. Review status: criteria provided, single submitter. Criteria: Invitae Variant Classification Sherloc (09022015). Collection method: clinical testing. Allele origin: germline.
Comment: This sequence change replaces glycine, which is neutral and non-polar, with serine, which is neutral and polar, at codon 180 of the CSRP3 protein (p.Gly180Ser). This variant is not present in population databases (gnomAD no frequency). This variant has not been reported in the literature in individuals affected with CSRP3-related conditions. An algorithm developed to predict the effect of missense changes on protein structure and function (PolyPhen-2) suggests that this variant is likely to be disruptive. In summary, the available evidence is currently insufficient to determine the role of this variant in disease. Therefore, it has been classified as a Variant of Uncertain Significance.

NM_003476.5(CSRP3):c.538G>A (p.Gly180Ser)

Gene: CSRP3 (cysteine and glycine rich protein 3; minus strand). Cytogenetic location: 11p15.1.
Variant type: single nucleotide variant.
Coding change: c.538G>A on transcript NM_003476.5 (MANE Select); coding-DNA position 538, G replaced by A.
Protein change: p.Gly180Ser; replaces glycine 180 with serine.
Molecular consequence: missense variant. On other transcripts: synonymous variant (1).
Genome position (GRCh38, 1-based): chr11:19,182,717, C>T on the plus strand (G>A on the coding strand, the complement: CSRP3 is on the minus strand). VCF-style: chr11-19182717-C-T. GRCh37 (hg19) VCF-style: chr11-19204264-C-T.
Other names: c.369G>A, p.Arg123= (NM_001369404.1); short protein forms G180S.
Identifiers: ClinVar variation 4787100 (VCV004787100.1).